The following is an entry in ClinVar:

NM_145261.4(DNAJC19):c.307dup (p.Ile103fs)

Gene: DNAJC19 (DnaJ heat shock protein family (Hsp40) member C19; minus strand). Cytogenetic location: 3q26.33.
Variant type: Duplication.
Coding change: c.307dup on transcript NM_145261.4 (MANE Select); coding-DNA position 307, one base duplicated (A; older notation c.307dupA).
Protein change: p.Ile103fs; shifts the reading frame from isoleucine 103.
Molecular consequence: frameshift variant. On other transcripts: non-coding transcript variant (4).
Genome position (GRCh38, 1-based): chr3:180,984,684, T duplicated on the plus strand (A on the coding strand, the reverse complement: DNAJC19 is on the minus strand); the first of 4 consecutive T bases (chr3:180,984,684-180,984,687); duplicating any one gives the same sequence. VCF-style (leftmost placement, unchanged base first): chr3-180984683-A-AT. GRCh37 (hg19) VCF-style: chr3-180702471-A-AT.
Other names: c.232dup, p.Ile78fs (NM_001190233.2); short protein forms I103fs, I78fs.
Identifiers: ClinVar variation 4730301 (VCV004730301.1).

ClinVar aggregate classification (germline): Uncertain significance (1 of 4 stars; one submission).

Conditions:
3-methylglutaconic aciduria type 5. Also called: CARDIOMYOPATHY, DILATED, WITH ATAXIA; MGA, TYPE V; 3 alpha methylglutaconic aciduria type V; MGA 5. Identifiers: Orphanet 66634, MedGen C1857776, MONDO:0012435, OMIM 610198.

Submission:

Labcorp Genetics (formerly Invitae), Labcorp
Classification: Uncertain significance for 3-methylglutaconic aciduria type 5. Last evaluated: 2025-11-01. Review status: criteria provided, single submitter. Criteria: Invitae Variant Classification Sherloc (09022015). Collection method: clinical testing. Allele origin: germline.
Comment: This sequence change creates a premature translational stop signal (p.Ile103Asnfs*3) in the DNAJC19 gene. While this is not anticipated to result in nonsense mediated decay, it is expected to disrupt the last 14 amino acid(s) of the DNAJC19 protein. This variant is not present in population databases (gnomAD no frequency). This variant has not been reported in the literature in individuals affected with DNAJC19-related conditions. Experimental studies and prediction algorithms are not available or were not evaluated, and the functional significance of this variant is currently unknown. In summary, the available evidence is currently insufficient to determine the role of this variant in disease. Therefore, it has been classified as a Variant of Uncertain Significance.